The following is an entry in ClinVar:

NM_012090.5(MACF1):c.92C>T (p.Ser31Leu)

Gene: MACF1 (microtubule actin crosslinking factor 1; plus strand). Cytogenetic location: 1p34.3.
Variant type: single nucleotide variant.
Coding change: c.92C>T on transcript NM_012090.5; coding-DNA position 92, C replaced by T.
Protein change: p.Ser31Leu; replaces serine 31 with leucine.
Molecular consequence: missense variant.
Genome position (GRCh38, 1-based): chr1:39,084,310, C>T. VCF-style: chr1-39084310-C-T. GRCh37 (hg19) VCF-style: chr1-39549982-C-T.
Other names: short protein forms S31L.
Identifiers: ClinVar variation 3292503 (VCV003292503.2).

ClinVar aggregate classification (germline): Conflicting classifications of pathogenicity. Review status: criteria provided, conflicting classifications (1 of 4 stars). 2 submissions from 2 submitters: Uncertain significance (1); Likely benign (1). Last evaluated 2025-01-02.

Conditions:
MACF1-related disorder. Also called: MACF1-related condition.
Inborn genetic diseases. Identifiers: MedGen C0950123, MeSH D030342.

gnomAD v4.1: 9 of 1,613,864 alleles (0.00056%); highest among the groups gnomAD compares: African/African-American, 0.0013%; no homozygotes.

Submissions (2):

PreventionGenetics, part of Exact Sciences
Classification: Uncertain significance for MACF1-related condition. Last evaluated: 2025-01-02. Review status: criteria provided, single submitter. Criteria: ACMG Guidelines, 2015. Collection method: clinical testing. Allele origin: germline.
Comment: The MACF1 c.92C>T variant is predicted to result in the amino acid substitution p.Ser31Leu. To our knowledge, this variant has not been reported in the literature. This variant is reported in 0.0054% of alleles in individuals of East Asian descent in gnomAD. At this time, the clinical significance of this variant is uncertain due to the absence of conclusive functional and genetic evidence.

Ambry Genetics
Classification: Likely benign for Inborn genetic diseases. Last evaluated: 2024-06-16. Review status: criteria provided, single submitter. Criteria: Ambry Variant Classification Scheme 2023. Collection method: clinical testing. Allele origin: germline.